The following is an entry in ClinVar:

NM_017617.5(NOTCH1):c.1417G>T (p.Glu473Ter)

Gene: NOTCH1 (notch receptor 1; minus strand). Cytogenetic location: 9q34.3.
Variant type: single nucleotide variant.
Coding change: c.1417G>T on transcript NM_017617.5 (MANE Select); coding-DNA position 1417, G replaced by T.
Protein change: p.Glu473Ter; replaces glutamic acid 473 with a stop codon.
Molecular consequence: nonsense.
Genome position (GRCh38, 1-based): chr9:136,517,776, C>A on the plus strand (G>T on the coding strand, the complement: NOTCH1 is on the minus strand). VCF-style: chr9-136517776-C-A. GRCh37 (hg19) VCF-style: chr9-139412228-C-A.
Other names: short protein forms E473*.
Identifiers: ClinVar variation 4993818 (VCV004993818.1).

ClinVar aggregate classification (germline): Pathogenic (1 of 4 stars; one submission).

Conditions:
NOTCH1-related disorder. Also called: NOTCH1-related condition; NOTCH1-related disorders.

Submission:

PreventionGenetics, part of Exact Sciences
Classification: Pathogenic for NOTCH1-related condition. Last evaluated: 2025-11-17. Review status: criteria provided, single submitter. Criteria: ACMG Guidelines, 2015. Collection method: clinical testing. Allele origin: germline.
Comment: The NOTCH1 c.1417G>T variant is predicted to result in premature protein termination (p.Glu473*). To our knowledge, this variant has not been reported in the literature or in a large population database (gnomAD), indicating this variant is rare. Nonsense variants in NOTCH1 are expected to be pathogenic. This variant is interpreted as pathogenic.